The following is an entry in ClinVar:

ClinVar aggregate classification (germline): Uncertain significance. Review status: criteria provided, multiple submitters, no conflicts (2 of 4 stars). 3 submissions from 3 submitters: Uncertain significance (3). Last evaluated 2025-10-23.

Conditions:
SLC26A2-related skeletal dysplasia. Identifiers: MedGen CN379209, MONDO:0100592.
Inborn genetic diseases. Identifiers: MedGen C0950123, MeSH D030342.
Diastrophic dysplasia (DTD). Also called: Diastrophic dwarfism. Identifiers: Orphanet 628, MedGen C0220726, MONDO:0009107, OMIM 222600.
Multiple epiphyseal dysplasia type 4 (EDM4). Also called: Multiple Epiphyseal Dysplasia, Recessive; MULTIPLE EPIPHYSEAL DYSPLASIA WITH BILAYERED PATELLAE; MULTIPLE EPIPHYSEAL DYSPLASIA WITH CLUBFOOT; MULTIPLE EPIPHYSEAL DYSPLASIA, AUTOSOMAL RECESSIVE; SLC26A2-Related Multiple Epiphyseal Dysplasia. Identifiers: Orphanet 93307, MedGen C1847593, MONDO:0009189, OMIM 226900.
Atelosteogenesis type II (AO2). Also called: NEONATAL OSSEOUS DYSPLASIA I; SLC26A2-Related Atelosteogenesis; Neonatal osseous dysplasia 1. Identifiers: Orphanet 56304, MedGen C1850554, MONDO:0009727, OMIM 256050.
Achondrogenesis, type IB (ACG1B). Also called: Achondrogenesis Type 1B. Identifiers: Orphanet 932, Orphanet 93298, MedGen C0265274, MONDO:0010966, OMIM 600972.

gnomAD v4.1: 13 of 1,614,118 alleles (0.00081%); highest among the groups gnomAD compares: South Asian, 0.014%; no homozygotes.

Submissions (3):

Myriad Genetics, Inc.
Classification: Uncertain significance for SLC26A2-related skeletal dysplasia. Last evaluated: 2025-10-23. Review status: criteria provided, single submitter. Criteria: Myriad Autosomal Dominant, Autosomal Recessive and X-Linked Classification Criteria (2023). Collection method: clinical testing. Allele origin: unknown.
Comment: NM_000112.3(SLC26A2):c.158G>A(R53K) is a missense variant classified as a variant of uncertain significance in the context of SLC26A2-related disorders. R53K has not been observed in cases with relevant disease. Relevant functional assessments of this variant are not available in the literature. R53K has been observed in referenced population frequency databases. In summary, there is insufficient evidence to classify NM_000112.3(SLC26A2):c.158G>A(R53K) as pathogenic or benign. Please note: this variant was assessed in the context of healthy population screening.

Ambry Genetics
Classification: Uncertain significance for Inborn genetic diseases. Last evaluated: 2025-10-03. Review status: criteria provided, single submitter. Criteria: Ambry Variant Classification Scheme 2023. Collection method: clinical testing. Allele origin: germline.

Fulgent Genetics
Classification: Uncertain significance for Diastrophic dysplasia; Multiple epiphyseal dysplasia type 4; Atelosteogenesis type II; Achondrogenesis, type IB. Last evaluated: 2024-02-05. Review status: criteria provided, single submitter. Criteria: ACMG Guidelines, 2015. Collection method: clinical testing. Allele origin: germline.

NM_000112.4(SLC26A2):c.158G>A (p.Arg53Lys)

Gene: SLC26A2 (solute carrier family 26 member 2; plus strand). Cytogenetic location: 5q32.
Variant type: single nucleotide variant.
Coding change: c.158G>A on transcript NM_000112.4 (MANE Select); coding-DNA position 158, G replaced by A.
Protein change: p.Arg53Lys; replaces arginine 53 with lysine.
Molecular consequence: missense variant.
Genome position (GRCh38, 1-based): chr5:149,977,810, G>A. VCF-style: chr5-149977810-G-A. GRCh37 (hg19) VCF-style: chr5-149357373-G-A.
Other names: short protein forms R53K.
Identifiers: ClinVar variation 3591888 (VCV003591888.3).